The following is an entry in ClinVar:

ClinVar aggregate classification (germline): Uncertain significance. Review status: criteria provided, multiple submitters, no conflicts (2 of 4 stars). 2 submissions from 2 submitters: Uncertain significance (2). Last evaluated 2025-11-11.

Conditions:
Inborn genetic diseases. Identifiers: MedGen C0950123, MeSH D030342.
RFT1-congenital disorder of glycosylation (CDG1N). Also called: Congenital disorder of glycosylation type In; RFT1-CDG; CDG In. Identifiers: Orphanet 244310, MedGen C2677590, MONDO:0012783, OMIM 612015.

Allele frequency attached by ClinVar (database versions not stated): gnomAD exomes 0.00003; TOPMed 0.00004; gnomAD 0.00006; ESP Exome Variant Server 0.00008; 1000 Genomes Project 30x 0.00016; 1000 Genomes Project 0.00020.
gnomAD v4.1: 59 of 1,612,644 alleles (0.0037%); highest among the groups gnomAD compares: East Asian, 0.0089%; no homozygotes.

Submissions (2):

Ambry Genetics
Classification: Uncertain significance for Inborn genetic diseases. Last evaluated: 2025-11-11. Review status: criteria provided, single submitter. Criteria: Ambry Variant Classification Scheme 2023. Collection method: clinical testing. Allele origin: germline.

Labcorp Genetics (formerly Invitae), Labcorp
Classification: Uncertain significance for RFT1-congenital disorder of glycosylation. Last evaluated: 2024-10-30. Review status: criteria provided, single submitter. Criteria: Invitae Variant Classification Sherloc (09022015). Collection method: clinical testing. Allele origin: germline.
Comment: This sequence change replaces arginine, which is basic and polar, with cysteine, which is neutral and slightly polar, at codon 424 of the RFT1 protein (p.Arg424Cys). This variant is present in population databases (rs138803905, gnomAD 0.01%). This variant has not been reported in the literature in individuals affected with RFT1-related conditions. ClinVar contains an entry for this variant (Variation ID: 469624). Invitae Evidence Modeling of protein sequence and biophysical properties (such as structural, functional, and spatial information, amino acid conservation, physicochemical variation, residue mobility, and thermodynamic stability) indicates that this missense variant is not expected to disrupt RFT1 protein function with a negative predictive value of 80%. In summary, the available evidence is currently insufficient to determine the role of this variant in disease. Therefore, it has been classified as a Variant of Uncertain Significance.

NM_052859.4(RFT1):c.1270C>T (p.Arg424Cys)

Gene: RFT1 (RFT1 glycolipid translocator homolog; minus strand). Cytogenetic location: 3p21.1.
Variant type: single nucleotide variant.
Coding change: c.1270C>T on transcript NM_052859.4 (MANE Select); coding-DNA position 1270, C replaced by T.
Protein change: p.Arg424Cys; replaces arginine 424 with cysteine.
Molecular consequence: missense variant.
Genome position (GRCh38, 1-based): chr3:53,092,557, G>A on the plus strand (C>T on the coding strand, the complement: RFT1 is on the minus strand). VCF-style: chr3-53092557-G-A. GRCh37 (hg19) VCF-style: chr3-53126573-G-A.
Other names: short protein forms R424C.
Identifiers: ClinVar variation 469624 (VCV000469624.11), dbSNP rs138803905, ClinGen allele CA2451190.
Genomic context (GRCh38, chr3:53,092,557, plus strand): 5'-TGATCCGAATGCCCATGTTAAAGCAGTTGGCCAAGATGAAGCCCACGCTGCCACACCAAC[G>A]GGTCAAGAGATAGGATAACACCAGGAATGAGGAGGACAGGGCCAGCATCACAAAATTGTA-3'
Protein context (NP_443091.1, residues 414-434): SFLVLSYLLT[Arg424Cys]WCGSVGFILA